The following is an entry in ClinVar:

NM_001482.3(GATM):c.-23C>G

Genes: GATM (glycine amidinotransferase; minus strand), LOC130056991 (ATAC-STARR-seq lymphoblastoid silent region 6406; plus strand). Cytogenetic location: 15q21.1.
Variant type: single nucleotide variant.
Coding change: c.-23C>G on transcript NM_001482.3 (MANE Select); 23 bases upstream of the start codon, C replaced by G.
Molecular consequence: 5 prime UTR variant. On other transcripts: intron variant (1).
Genome position (GRCh38, 1-based): chr15:45,378,476, G>C on the plus strand (C>G on the coding strand, the complement: GATM is on the minus strand). VCF-style: chr15-45378476-G-C. GRCh37 (hg19) VCF-style: chr15-45670674-G-C.
Other names: c.-318-1657C>G (NM_001321015.2).
Identifiers: ClinVar variation 509969 (VCV000509969.1), dbSNP rs1555384830, ClinGen allele CA658798328.

ClinVar aggregate classification (germline): Likely benign (1 of 4 stars; one submission).

Allele frequency attached by ClinVar (database versions not stated): gnomAD exomes below 0.00001.

Submission:

GeneDx
Classification: Likely benign. Last evaluated: 2017-06-01. Review status: criteria provided, single submitter. Criteria: GeneDx Variant Classification (06012015). Collection method: clinical testing. Allele origin: germline. Affected: yes.
Comment: This variant is considered likely benign or benign based on one or more of the following criteria: it is a conservative change, it occurs at a poorly conserved position in the protein, it is predicted to be benign by multiple in silico algorithms, and/or has population frequency not consistent with disease.